The following is an entry in ClinVar:

ClinVar aggregate classification (germline): Uncertain significance (1 of 4 stars; one submission).

Submission:

Women's Health and Genetics/Laboratory Corporation of America, LabCorp
Classification: Uncertain significance. Last evaluated: 2019-02-26. Review status: criteria provided, single submitter. Criteria: LabCorp Variant Classification Summary - May 2015. Collection method: clinical testing. Allele origin: germline.
Comment: Variant summary: CHD8 c.416C>G (p.Ser139Cys) results in a non-conservative amino acid change in the encoded protein sequence. Five of five in-silico tools predict a damaging effect of the variant on protein function. The variant was absent in 230140 control chromosomes (gnomAD). The available data on variant occurrences in the general population are insufficient to allow any conclusion about variant significance. To our knowledge, no occurrence of c.416C>G in individuals affected with Autism, susceptibility to, 18 and no experimental evidence demonstrating its impact on protein function have been reported. No clinical diagnostic laboratories have submitted clinical-significance assessments for this variant to ClinVar after 2014. Based on the evidence outlined above, the variant was classified as uncertain significance.

NM_001170629.2(CHD8):c.416C>G (p.Ser139Cys)

Gene: CHD8 (chromodomain helicase DNA binding protein 8; minus strand). Cytogenetic location: 14q11.2.
Variant type: single nucleotide variant.
Coding change: c.416C>G on transcript NM_001170629.2 (MANE Select); coding-DNA position 416, C replaced by G.
Protein change: p.Ser139Cys; replaces serine 139 with cysteine.
Molecular consequence: missense variant. On other transcripts: intron variant (1).
Genome position (GRCh38, 1-based): chr14:21,431,228, G>C on the plus strand (C>G on the coding strand, the complement: CHD8 is on the minus strand). VCF-style: chr14-21431228-G-C. GRCh37 (hg19) VCF-style: chr14-21899387-G-C.
Other names: c.6+583C>G (NM_020920.4); short protein forms S139C.
Identifiers: ClinVar variation 928689 (VCV000928689.1), dbSNP rs1889549675, ClinGen allele CA388888759.